The following is an entry in ClinVar:

NM_001852.4(COL9A2):c.1552C>T (p.Arg518Trp)

Gene: COL9A2 (collagen type IX alpha 2 chain; minus strand). Cytogenetic location: 1p34.2.
Variant type: single nucleotide variant.
Coding change: c.1552C>T on transcript NM_001852.4 (MANE Select); coding-DNA position 1552, C replaced by T.
Protein change: p.Arg518Trp; replaces arginine 518 with tryptophan.
Molecular consequence: missense variant.
Genome position (GRCh38, 1-based): chr1:40,303,182, G>A on the plus strand (C>T on the coding strand, the complement: COL9A2 is on the minus strand). VCF-style: chr1-40303182-G-A. GRCh37 (hg19) VCF-style: chr1-40768854-G-A.
Other names: short protein forms R518W.
Identifiers: ClinVar variation 1375009 (VCV001375009.6), dbSNP rs773987348, ClinGen allele CA339877581.
Genomic context (GRCh38, chr1:40,303,182, plus strand): 5'-GCCCCTCACCTTGCAGCATCTTCAGCGCCACATCCACGATGTGCTGGTCAGTGGCATCCC[G>A]GCCCTGAAAGCAGAGGCCTTTCAGGAAGAAGCCCCTGGCTACAAGGGCCCACCGCTCCTA-3'
Protein context (NP_001843.1, residues 508-528): GQPGRQGVEG[Arg518Trp]DATDQHIVDV

ClinVar aggregate classification (germline): Uncertain significance (1 of 4 stars; one submission).

Allele frequency attached by ClinVar (database versions not stated): TOPMed below 0.00001; gnomAD 0.00001.

Submission:

Labcorp Genetics (formerly Invitae), Labcorp
Classification: Uncertain significance. Last evaluated: 2022-11-03. Review status: criteria provided, single submitter. Criteria: Invitae Variant Classification Sherloc (09022015). Collection method: clinical testing. Allele origin: germline.
Comment: In summary, the available evidence is currently insufficient to determine the role of this variant in disease. Therefore, it has been classified as a Variant of Uncertain Significance. Algorithms developed to predict the effect of missense changes on protein structure and function are either unavailable or do not agree on the potential impact of this missense change (SIFT: "Deleterious"; PolyPhen-2: "Probably Damaging"; Align-GVGD: "Class C0"). ClinVar contains an entry for this variant (Variation ID: 1375009). This variant has not been reported in the literature in individuals affected with COL9A2-related conditions. This variant is not present in population databases (gnomAD no frequency). This sequence change replaces arginine, which is basic and polar, with tryptophan, which is neutral and slightly polar, at codon 518 of the COL9A2 protein (p.Arg518Trp).